The following is an entry in ClinVar:

ClinVar aggregate classification (germline): Benign (0 of 4 stars; one submission).

Conditions:
PRKCA-related disorder. Also called: PRKCA-related condition.

Allele frequency attached by ClinVar (database versions not stated): TOPMed 0.16130; 1000 Genomes Project 0.16853; 1000 Genomes Project 30x 0.17411; ExAC 0.09935; gnomAD 0.14778; ESP Exome Variant Server 0.15831.
gnomAD v4.1: 148,925 of 1,613,842 alleles (9.2%); highest among the groups gnomAD compares: African/African-American, 31%; 9,389 homozygotes.

Submission:

PreventionGenetics, part of Exact Sciences
Classification: Benign for PRKCA-related condition. Last evaluated: 2019-11-20. Review status: no assertion criteria provided. Collection method: clinical testing. Allele origin: germline.
Comment: This variant is classified as benign based on ACMG/AMP sequence variant interpretation guidelines (Richards et al. 2015 PMID: 25741868, with internal and published modifications).

NM_002737.3(PRKCA):c.1779G>A (p.Glu593=)

Gene: PRKCA (protein kinase C alpha; plus strand). Cytogenetic location: 17q24.2.
Variant type: single nucleotide variant.
Coding change: c.1779G>A on transcript NM_002737.3 (MANE Select); coding-DNA position 1779, G replaced by A.
Protein change: p.Glu593=; no amino-acid change (glutamic acid 593 retained).
Molecular consequence: synonymous variant.
Genome position (GRCh38, 1-based): chr17:66,788,904, G>A. VCF-style: chr17-66788904-G-A. GRCh37 (hg19) VCF-style: chr17-64785022-G-A.
Identifiers: ClinVar variation 3060914 (VCV003060914.2), dbSNP rs2228945, ClinGen allele CA8721132.